The following is an entry in ClinVar:

NM_194454.3(KRIT1):c.1355G>T (p.Arg452Leu)

Gene: KRIT1 (KRIT1 ankyrin repeat containing; minus strand). Cytogenetic location: 7q21.2.
Variant type: single nucleotide variant.
Coding change: c.1355G>T on transcript NM_194454.3 (MANE Select); coding-DNA position 1355, G replaced by T.
Protein change: p.Arg452Leu; replaces arginine 452 with leucine.
Molecular consequence: missense variant.
Genome position (GRCh38, 1-based): chr7:92,222,878, C>A on the plus strand (G>T on the coding strand, the complement: KRIT1 is on the minus strand). VCF-style: chr7-92222878-C-A. GRCh37 (hg19) VCF-style: chr7-91852192-C-A.
Other names: c.1211G>T, p.Arg404Leu (NM_001013406.2, NM_001350669.1, NM_001350670.1); c.641G>T, p.Arg214Leu (NM_001350671.1); c.1355G>T, p.Arg452Leu (NM_001350672.1, NM_001350673.1, NM_001350674.1 and 26 more transcripts); short protein forms R214L, R404L, R452L.
Identifiers: ClinVar variation 954130 (VCV000954130.10), dbSNP rs201272513, ClinGen allele CA368147334.

ClinVar aggregate classification (germline): Uncertain significance (1 of 4 stars; one submission).

Conditions:
Cerebral cavernous malformation (CCM). Also called: CAVERNOUS ANGIOMA, FAMILIAL; CAVERNOUS ANGIOMATOUS MALFORMATIONS; CEREBRAL CAPILLARY MALFORMATIONS; Cerebral cavernous hemangioma (type); Cerebral cavernous malformations; Cavernous Hemangioma of Brain. Identifiers: Orphanet 221061, MedGen C2919945, MONDO:0000820, OMIM 116860, HP:0033522.

Submission:

Labcorp Genetics (formerly Invitae), Labcorp
Classification: Uncertain significance for Cerebral cavernous malformation. Last evaluated: 2019-10-31. Review status: criteria provided, single submitter. Criteria: Invitae Variant Classification Sherloc (09022015). Collection method: clinical testing. Allele origin: germline.
Comment: In summary, the available evidence is currently insufficient to determine the role of this variant in disease. Therefore, it has been classified as a Variant of Uncertain Significance. Algorithms developed to predict the effect of missense changes on protein structure and function are either unavailable or do not agree on the potential impact of this missense change (SIFT: "Deleterious"; PolyPhen-2: "Probably Damaging"; Align-GVGD: "Class C0"). This variant has not been reported in the literature in individuals with KRIT1-related conditions. This variant is not present in population databases (ExAC no frequency). This sequence change replaces arginine with leucine at codon 452 of the KRIT1 protein (p.Arg452Leu). The arginine residue is highly conserved and there is a moderate physicochemical difference between arginine and leucine.